The following is an entry in ClinVar:

ClinVar aggregate classification (germline): Uncertain significance (1 of 4 stars; one submission).

Submission:

GeneDx
Classification: Uncertain significance. Last evaluated: 2024-11-23. Review status: criteria provided, single submitter. Criteria: GeneDx Variant Classification Process June 2021. Collection method: clinical testing. Allele origin: germline. Affected: yes.
Comment: Not observed at significant frequency in large population cohorts (gnomAD); In silico analysis indicates that this missense variant does not alter protein structure/function; Has not been previously published as pathogenic or benign to our knowledge

NM_170606.3(KMT2C):c.10025C>T (p.Ala3342Val)

Gene: KMT2C (lysine methyltransferase 2C; minus strand). Cytogenetic location: 7q36.1.
Variant type: single nucleotide variant.
Coding change: c.10025C>T on transcript NM_170606.3 (MANE Select); coding-DNA position 10025, C replaced by T.
Protein change: p.Ala3342Val; replaces alanine 3342 with valine.
Molecular consequence: missense variant.
Genome position (GRCh38, 1-based): chr7:152,163,552, G>A on the plus strand (C>T on the coding strand, the complement: KMT2C is on the minus strand). VCF-style: chr7-152163552-G-A. GRCh37 (hg19) VCF-style: chr7-151860637-G-A.
Other names: short protein forms A3342V.
Identifiers: ClinVar variation 3900074 (VCV003900074.1).